The following is an entry in ClinVar:

NM_000059.4(BRCA2):c.3167_3170del (p.Gln1056fs)

Gene: BRCA2 (BRCA2 DNA repair associated; plus strand). Cytogenetic location: 13q13.1.
Variant type: Deletion.
Coding change: c.3167_3170del on transcript NM_000059.4 (MANE Select); coding-DNA positions 3167 to 3170, 4 bases deleted (AAAA; older notation c.3167_3170delAAAA).
Protein change: p.Gln1056fs; shifts the reading frame from glutamine 1056.
Molecular consequence: frameshift variant.
Genome position (GRCh38, 1-based): chr13:32,337,522-32,337,525, AAAA deleted. VCF-style (leftmost placement, unchanged base first): chr13-32337521-CAAAA-C. GRCh37 (hg19) VCF-style: chr13-32911658-CAAAA-C.
Other names: 3395del4; c.3167_3170delAAAA (NM_000059.3).
Identifiers: ClinVar variation 51413 (VCV000051413.34), dbSNP rs80359372, ClinGen allele CA017406.

ClinVar aggregate classification (germline): Pathogenic. Review status: reviewed by expert panel (3 of 4 stars). 14 submissions from 14 submitters: Pathogenic (1). 13 of the submissions do not count toward it. Last evaluated 2016-09-08.

Conditions:
Hereditary breast ovarian cancer syndrome. Also called: Hereditary breast and ovarian cancer syndrome; Hereditary breast and ovarian cancer; Hereditary breast and ovarian cancer syndrome (HBOC); Breast and ovarian cancer; Hereditary breast and/or ovarian cancer syndrome; BRCA1- and BRCA2-Associated Hereditary Breast and Ovarian Cancer. Identifiers: Orphanet 145, MedGen C0677776, MeSH D061325, MONDO:0003582. Disease mechanism: loss of function.
Breast-ovarian cancer, familial, susceptibility to, 2 (BROVCA2). Also called: BRCA2 Hereditary Breast and Ovarian Cancer. Identifiers: Orphanet 145, MedGen C2675520, MONDO:0012933, OMIM 612555. Disease mechanism: loss of function.
Familial pancreatic carcinoma. Identifiers: Orphanet 1333, MedGen C2931038, MONDO:0015278, OMIM 260350.
Hereditary cancer-predisposing syndrome. Also called: Neoplastic Syndromes, Hereditary; Tumor predisposition; Hereditary Cancer Syndrome; Hereditary neoplastic syndrome. Identifiers: Orphanet 140162, MedGen C0027672, MeSH D009386, MONDO:0015356.
Familial cancer of breast. Also called: BREAST CANCER, FAMILIAL; Hereditary breast cancer; hereditary breast carcinoma. Identifiers: Orphanet 227535, MedGen C0346153, MONDO:0016419, OMIM 114480. Disease mechanism: loss of function.

Allele frequency attached by ClinVar (database versions not stated): gnomAD exomes below 0.00001; TOPMed below 0.00001; ExAC 0.00001; ESP Exome Variant Server 0.00008.

Submissions (14):

Evidence-based Network for the Interpretation of Germline Mutant Alleles (ENIGMA)
Classification: Pathogenic for Breast-ovarian cancer, familial, susceptibility to, 2. Last evaluated: 2016-09-08. Review status: reviewed by expert panel. Criteria: ENIGMA BRCA1/2 Classification Criteria (2015). Collection method: curation. Allele origin: germline.
Comment: Variant allele predicted to encode a truncated non-functional protein.

Color Diagnostics, LLC DBA Color Health
Classification: Pathogenic for Hereditary cancer-predisposing syndrome. Last evaluated: 2025-08-22. Review status: criteria provided, single submitter. Criteria: ACMG Guidelines, 2015. Collection method: clinical testing. Allele origin: germline. Not counted in ClinVar's aggregate classification.
Comment: This variant deletes 4 nucleotides in exon 11 of the BRCA2 gene, creating a frameshift and premature translation stop signal. This variant is expected to result in an absent or non-functional protein product. This variant has been reported in individuals with a personal or family history of breast, ovarian, or pancreatic cancer (PMID: 15131399, 21614564, 28724667, 29446198, 29785135, 35547873). This variant has been identified in 1/246888 chromosomes in the general population by the Genome Aggregation Database (gnomAD). Loss of BRCA2 function is a known mechanism of disease. Based on the available evidence, this variant is classified as Pathogenic.

Labcorp Genetics (formerly Invitae), Labcorp
Classification: Pathogenic for Hereditary breast ovarian cancer syndrome. Last evaluated: 2025-08-21. Review status: criteria provided, single submitter. Criteria: Invitae Variant Classification Sherloc (09022015). Collection method: clinical testing. Allele origin: germline. Not counted in ClinVar's aggregate classification.
Comment: This sequence change creates a premature translational stop signal (p.Gln1056Argfs*3) in the BRCA2 gene. It is expected to result in an absent or disrupted protein product. Loss-of-function variants in BRCA2 are known to be pathogenic (PMID: 20104584). This variant is present in population databases (rs80359372, gnomAD 0.006%). This premature translational stop signal has been observed in individual(s) with undefined cancer and breast or ovarian cancer (PMID: 15131399, 18703817, 26187060, 26681312, 28724667). This variant is also known as 3395del4. ClinVar contains an entry for this variant (Variation ID: 51413). For these reasons, this variant has been classified as Pathogenic.

Quest Diagnostics Nichols Institute San Juan Capistrano
Classification: Pathogenic. Last evaluated: 2023-08-30. Review status: criteria provided, single submitter. Criteria: Quest Diagnostics criteria. Collection method: clinical testing. Allele origin: unknown. Not counted in ClinVar's aggregate classification.
Comment: The BRCA2 c.3167_3170del (p.Gln1056Argfs*3) variant (also known as 3395del4) alters the translational reading frame of the BRCA2 mRNA and causes the premature termination of BRCA2 protein synthesis. In the published literature, this variant has been reported in multiple individuals with breast and/or ovarian cancer (PMIDs: 28724667 (2017), 26681312 (2015), 26187060 (2015), 18703817 (2008)). The frequency of this variant in the general population, 0.000055 (1/18258 chromosomes (Genome Aggregation Database)), is consistent with pathogenicity. Based on the available information, this variant is classified as pathogenic.

Ambry Genetics
Classification: Pathogenic for Hereditary cancer-predisposing syndrome. Last evaluated: 2023-03-14. Review status: criteria provided, single submitter. Criteria: Ambry Variant Classification Scheme 2023. Collection method: clinical testing. Allele origin: germline. Not counted in ClinVar's aggregate classification.
Comment: The c.3167_3170delAAAA pathogenic mutation, located in coding exon 10 of the BRCA2 gene, results from a deletion of 4 nucleotides between nucleotide positions 3167 and 3170, causing a translational frameshift with a predicted alternate stop codon ( p.Q1056Rfs*3). This mutation, designated as 3395del4, was identified in a series of suspected HBOC families (Lubinski J et al, Fam. Cancer 2004;3(1):1-10). In addition to the clinical data presented in the literature, this alteration is expected to result in loss of function by premature protein truncation or nonsense-mediated mRNA decay. As such, this alteration is interpreted as a disease-causing mutation

Baylor Genetics
Classification: Pathogenic for Familial cancer of breast. Last evaluated: 2021-10-20. Review status: criteria provided, single submitter. Criteria: ACMG Guidelines, 2015. Collection method: clinical testing. Allele origin: unknown. Not counted in ClinVar's aggregate classification.

GeneDx
Classification: Pathogenic. Last evaluated: 2021-07-28. Review status: criteria provided, single submitter. Criteria: GeneDx Variant Classification Process June 2021. Collection method: clinical testing. Allele origin: germline. Affected: yes. Not counted in ClinVar's aggregate classification.
Comment: Frameshift variant predicted to result in protein truncation or nonsense mediated decay in a gene for which loss-of-function is a known mechanism of disease; Not observed at significant frequency in large population cohorts (Lek 2016); Truncating variants in this gene are considered pathogenic by a well-established clinical consortium and/or database; Observed in individuals with personal or family history of BRCA2-related cancers (Lubinski et al., 2004; Zhang et al., 2012; Sun et al., 2017); Also known as 3395_3398delAAAA or 3395del4; This variant is associated with the following publications: (PMID: 28724667, 30720243, 31825140, 30702160, 26187060, 21614564, 15131399)

Department of Pathology and Laboratory Medicine, Sinai Health System
Classification: Pathogenic for Familial pancreatic carcinoma. Last evaluated: 2020-08-20. Review status: criteria provided, single submitter. Criteria: ACMG Guidelines, 2015. Collection method: clinical testing. Allele origin: germline. Affected: yes. Not counted in ClinVar's aggregate classification.

Women's Health and Genetics/Laboratory Corporation of America, LabCorp
Classification: Pathogenic for Hereditary breast and ovarian cancer syndrome. Last evaluated: 2018-10-15. Review status: criteria provided, single submitter. Criteria: LabCorp Variant Classification Summary - May 2015. Collection method: clinical testing. Allele origin: germline. Not counted in ClinVar's aggregate classification.
Comment: Variant summary: BRCA2 c.3167_3170delAAAA (p.Gln1056ArgfsX3) results in a premature termination codon, predicted to cause a truncation of the encoded protein or absence of the protein due to nonsense mediated decay, which are commonly known mechanisms for disease. The variant allele was found at a frequency of 4.1e-06 in 241872 control chromosomes (gnomAD). c.3167_3170delAAAA has been reported in the literature in individuals affected with Hereditary Breast and Ovarian Cancer (Lubinski 2004, Palma 2008, Susswein 2015, Sun 2017). These data indicate that the variant is likely to be associated with disease. To our knowledge, no experimental evidence demonstrating an impact on protein function has been reported. Six clinical diagnostic laboratories have submitted clinical-significance assessments for this variant to ClinVar after 2014 without evidence for independent evaluation. All laboratories classified the variant as pathogenic (5x) or likely pathogenic (1x). Based on the evidence outlined above, the variant was classified as pathogenic.

Laboratory for Molecular Medicine, Mass General Brigham Personalized Medicine
Classification: Pathogenic for Hereditary breast ovarian cancer syndrome. Last evaluated: 2017-01-27. Review status: criteria provided, single submitter. Criteria: LMM Criteria. Collection method: clinical testing. Allele origin: germline. Inheritance: Autosomal dominant inheritance. Observed: 1 variant allele. Not counted in ClinVar's aggregate classification.
Comment: The p.Gln1056fs variant in BRCA2 has been identified in at least 5 individuals w ith BRCA2-associated cancers (Lubinski 2004, Palma 2008, Susswein 2015, Breast C ancer Information Core (BIC)database). This variant has also been identified in 1/17212 East Asian chromosomes by the Genome Aggregation Database (gnomAD; dbSNP rs80359372). Please note that this frequency is low enough to be consistent with the frequency of hereditary breast and ovar ian cancer (HBOC) in the general population. This variant is predicted to cause a frameshift, which alters the protein?s amino acid sequence beginning at positi on 1056 and leads to a premature termination codon 3 amino acids downstream. Thi s alteration is then predicted to lead to a truncated or absent protein. Heteroz ygous loss of function of the BRCA2 gene is an established disease mechanism in individuals with HBOC. In addition, this variant was classified as Pathogenic on September 8, 2016 by the ClinGen-approved ENIGMA expert panel (ClinVar SCV00030 0592.2). In summary, this variant meets criteria to be classified as pathogenic for HBOC in an autosomal dominant manner based upon the predicted impact to the protein.

Consortium of Investigators of Modifiers of BRCA1/2 (CIMBA), c/o University of Cambridge
Classification: Pathogenic for Breast-ovarian cancer, familial, susceptibility to, 2. Last evaluated: 2015-10-02. Review status: criteria provided, single submitter. Criteria: CIMBA Mutation Classification guidelines May 2016. Collection method: clinical testing. Allele origin: germline. Not counted in ClinVar's aggregate classification.

Counsyl
Classification: Likely pathogenic for Breast-ovarian cancer, familial, susceptibility to, 2. Last evaluated: 2016-02-09. Review status: no assertion criteria provided. Collection method: clinical testing. Allele origin: unknown. Not counted in ClinVar's aggregate classification.

Research Molecular Genetics Laboratory, Women's College Hospital, University of Toronto
Classification: Pathogenic for Hereditary breast ovarian cancer syndrome. Last evaluated: 2014-01-31. Review status: no assertion criteria provided. Collection method: research. Allele origin: germline. Affected: yes. Study: The Canadian Open Genetics Repository (COGR). Not counted in ClinVar's aggregate classification.

Breast Cancer Information Core (BIC) (BRCA2)
Classification: Pathogenic for Breast-ovarian cancer, familial 2. Last evaluated: 2001-10-29. Review status: no assertion criteria provided. Collection method: clinical testing. Allele origin: germline. Affected: yes. Observed: 2 variant alleles. Not counted in ClinVar's aggregate classification.

Literature cited by the submitters: PubMed 15131399 (cited by 8 submitters); PubMed 21614564 (cited by Color Diagnostics, LLC DBA Color Health and Department of Pathology and Laboratory Medicine, Sinai Health System); PubMed 28724667 (cited by 4 submitters); PubMed 29446198 (cited by Color Diagnostics, LLC DBA Color Health); PubMed 29785135 (cited by Color Diagnostics, LLC DBA Color Health); PubMed 35547873 (cited by Color Diagnostics, LLC DBA Color Health); PubMed 20104584 (cited by Labcorp Genetics (formerly Invitae), Labcorp); PubMed 18703817 (cited by 5 submitters); PubMed 26187060 (cited by Labcorp Genetics (formerly Invitae), Labcorp and Quest Diagnostics Nichols Institute San Juan Capistrano); PubMed 26681312 (cited by 5 submitters).